The following is an entry in ClinVar:

ClinVar aggregate classification (germline): Conflicting classifications of pathogenicity. Review status: criteria provided, conflicting classifications (1 of 4 stars). 2 submissions from 2 submitters: Pathogenic (1); Uncertain significance (1). Last evaluated 2025-06-23.

Submissions (2):

GeneDx
Classification: Pathogenic. Last evaluated: 2025-06-23. Review status: criteria provided, single submitter. Criteria: GeneDx Variant Classification Process June 2021. Collection method: clinical testing. Allele origin: germline. Affected: yes.
Comment: Published functional studies found this variant is associated with defective channel deactivation consistent with gain-of-function effect (PMID: 36318112); Not observed at significant frequency in large population cohorts (gnomAD); In silico analysis supports that this missense variant has a deleterious effect on protein structure/function; This variant is associated with the following publications: (PMID: 36318112)

Blueprint Genetics
Classification: Uncertain significance. Last evaluated: 2024-10-28. Review status: criteria provided, single submitter. Criteria: ACMG Guidelines, 2015. Collection method: clinical testing. Allele origin: germline.

NM_002235.5(KCNA6):c.1346C>T (p.Thr449Ile)

Genes: KCNA6 (potassium voltage-gated channel subfamily A member 6; plus strand), KCNA6-AS1 (KCNA6 antisense RNA 1; minus strand). Cytogenetic location: 12p13.32.
Variant type: single nucleotide variant.
Coding change: c.1346C>T on transcript NM_002235.5 (MANE Select); coding-DNA position 1346, C replaced by T.
Protein change: p.Thr449Ile; replaces threonine 449 with isoleucine.
Molecular consequence: missense variant. On other transcripts: non-coding transcript variant (3).
Genome position (GRCh38, 1-based): chr12:4,811,387, C>T. VCF-style: chr12-4811387-C-T. GRCh37 (hg19) VCF-style: chr12-4920553-C-T.
Other names: short protein forms T449I.
Identifiers: ClinVar variation 4540020 (VCV004540020.2).